The following is an entry in ClinVar:

NM_176787.5(PIGN):c.2776C>A (p.Pro926Thr)

Gene: PIGN (phosphatidylinositol glycan anchor biosynthesis class N; minus strand). Cytogenetic location: 18q21.33.
Variant type: single nucleotide variant.
Coding change: c.2776C>A on transcript NM_176787.5 (MANE Select); coding-DNA position 2776, C replaced by A.
Protein change: p.Pro926Thr; replaces proline 926 with threonine.
Molecular consequence: missense variant.
Genome position (GRCh38, 1-based): chr18:62,045,876, G>T on the plus strand (C>A on the coding strand, the complement: PIGN is on the minus strand). VCF-style: chr18-62045876-G-T. GRCh37 (hg19) VCF-style: chr18-59713109-G-T.
Other names: c.2776C>A, p.Pro926Thr (NM_012327.6); short protein forms P926T.
Identifiers: ClinVar variation 2040490 (VCV002040490.1), dbSNP rs1599384266, ClinGen allele CA402723181.

ClinVar aggregate classification (germline): Uncertain significance (1 of 4 stars; one submission).

Conditions:
Multiple congenital anomalies-hypotonia-seizures syndrome 1 (MCAHS1). Also called: PIGN-CDG; Congenital disorder of glycosylation due to PIGN deficiency; GLYCOSYLPHOSPHATIDYLINOSITOL BIOSYNTHESIS DEFECT 3. Identifiers: Orphanet 280633, MedGen C3279775, MONDO:0013563, OMIM 614080.

Allele frequency attached by ClinVar (database versions not stated): gnomAD exomes below 0.00001; TOPMed below 0.00001.
gnomAD v4.1: 3 of 1,613,792 alleles (0.00019%); highest among the groups gnomAD compares: South Asian, 0.0033%; no homozygotes.

Submission:

Labcorp Genetics (formerly Invitae), Labcorp
Classification: Uncertain significance for Multiple congenital anomalies-hypotonia-seizures syndrome 1. Last evaluated: 2022-06-10. Review status: criteria provided, single submitter. Criteria: Invitae Variant Classification Sherloc (09022015). Collection method: clinical testing. Allele origin: germline.
Comment: This sequence change replaces proline, which is neutral and non-polar, with threonine, which is neutral and polar, at codon 926 of the PIGN protein (p.Pro926Thr). This variant is not present in population databases (gnomAD no frequency). This variant has not been reported in the literature in individuals affected with PIGN-related conditions. Algorithms developed to predict the effect of missense changes on protein structure and function output the following: SIFT: "Tolerated"; PolyPhen-2: "Benign"; Align-GVGD: "Class C0". The threonine amino acid residue is found in multiple mammalian species, which suggests that this missense change does not adversely affect protein function. In summary, the available evidence is currently insufficient to determine the role of this variant in disease. Therefore, it has been classified as a Variant of Uncertain Significance.